The following is an entry in ClinVar:

ClinVar aggregate classification (germline): Likely pathogenic (1 of 4 stars; one submission).

Conditions:
Thrombocytopenia 1. Also called: THROMBOCYTOPENIA, X-LINKED, 1; X-Linked Thrombocytopenia (XLT); X-linked thrombocytopenia with normal platelets. Identifiers: Orphanet 268322, Orphanet 852, MedGen C1839163, MONDO:0010743, OMIM 313900.
Wiskott-Aldrich syndrome (WAS). Also called: ALDRICH SYNDROME; IMMUNODEFICIENCY 2; WISKOTT-ALDRICH SYNDROME 1; Wiskott-aldrich syndrome, somatic. Identifiers: Orphanet 906, MedGen C0043194, MONDO:0010518, OMIM 301000.
X-linked severe congenital neutropenia (SCNX). Identifiers: Orphanet 86788, MedGen C1845987, MONDO:0010294, OMIM 300299.

Submission:

Labcorp Genetics (formerly Invitae), Labcorp
Classification: Likely pathogenic for Wiskott-Aldrich syndrome; X-linked severe congenital neutropenia; Thrombocytopenia 1. Last evaluated: 2023-11-01. Review status: criteria provided, single submitter. Criteria: Invitae Variant Classification Sherloc (09022015). Collection method: clinical testing. Allele origin: germline.
Comment: This sequence change affects a donor splice site in intron 4 of the WAS gene. It is expected to disrupt RNA splicing. Variants that disrupt the donor or acceptor splice site typically lead to a loss of protein function (PMID: 16199547), and loss-of-function variants in WAS are known to be pathogenic (PMID: 15284122). This variant is not present in population databases (gnomAD no frequency). This variant has not been reported in the literature in individuals affected with WAS-related conditions. Algorithms developed to predict the effect of sequence changes on RNA splicing suggest that this variant may disrupt the consensus splice site. In summary, the currently available evidence indicates that the variant is pathogenic, but additional data are needed to prove that conclusively. Therefore, this variant has been classified as Likely Pathogenic.

Literature cited by the submitters: PubMed 16199547; PubMed 15284122.

NM_000377.3(WAS):c.463+1G>A

Gene: WAS (WASP actin nucleation promoting factor; plus strand). Cytogenetic location: Xp11.23.
Variant type: single nucleotide variant.
Coding change: c.463+1G>A on transcript NM_000377.3 (MANE Select); the canonical splice donor site of the intron after coding-DNA position 463, G replaced by A.
Molecular consequence: splice donor variant.
Genome position (GRCh38, 1-based): chrX:48,685,837, G>A. VCF-style: chrX-48685837-G-A. GRCh37 (hg19) VCF-style: chrX-48544226-G-A.
Identifiers: ClinVar variation 2948955 (VCV002948955.3), dbSNP rs2519281091, ClinGen allele CA412868350.
Genomic context (GRCh38, chrX:48,685,837, plus strand): 5'-AGGCCTTCCGGGCCCTCGTGCAGGAGAAGATACAAAAAAGGAATCAGAGGCAAAGTGGAG[G>A]TGAGGAGGCCACAGGGGAGGAAAGGAAGTTGGGCAGAGGTGAGTGCAAGCCTGGGGAACT-3'